The following is an entry in ClinVar:

NM_001039775.4(CRYBG2):c.1623A>G (p.Ser541=)

Gene: CRYBG2 (crystallin beta-gamma domain containing 2; minus strand). Cytogenetic location: 1p36.11.
Variant type: single nucleotide variant.
Coding change: c.1623A>G on transcript NM_001039775.4 (MANE Select); coding-DNA position 1623, A replaced by G.
Protein change: p.Ser541=; no amino-acid change (serine 541 retained).
Molecular consequence: synonymous variant.
Genome position (GRCh38, 1-based): chr1:26,345,035, T>C on the plus strand (A>G on the coding strand, the complement: CRYBG2 is on the minus strand). VCF-style: chr1-26345035-T-C. GRCh37 (hg19) VCF-style: chr1-26671526-T-C.
Identifiers: ClinVar variation 2638516 (VCV002638516.24), dbSNP rs751410597, ClinGen allele CA704201.
Genomic context (GRCh38, chr1:26,345,035, plus strand): 5'-GGTGGGGGATGAGGCAGCAGGAGCACCAGGGCCCTTCACAACCTCTTTCCAGGTGGGAAA[T>C]GAGGCATCAGGAGCACCGGGGCCCTTCACGACCTCTTTCCAGGTGGGGAACAAGGCAGCA-3'
Protein context (NP_001034864.2, residues 531-551): VVKGPGAPDA[Ser541=]FPTWKEVVKG

ClinVar aggregate classification (germline): Likely benign (1 of 4 stars; one submission).

Allele frequency attached by ClinVar (database versions not stated): ExAC 0.00021.

Submission:

CeGaT Center for Human Genetics Tuebingen
Classification: Likely benign. Last evaluated: 2023-08-01. Review status: criteria provided, single submitter. Criteria: CeGaT Center For Human Genetics Tuebingen Variant Classification Criteria Version 2. Collection method: clinical testing. Allele origin: germline. Affected: yes. Observed: 1 variant allele.
Comment: CRYBG2: BP4, BP7